The following is an entry in ClinVar:

ClinVar aggregate classification (germline): Conflicting classifications of pathogenicity. Review status: criteria provided, conflicting classifications (1 of 4 stars). 3 submissions from 3 submitters: Uncertain significance (2); Likely benign (1). Last evaluated 2024-10-22.

Conditions:
EPCAM-related disorder. Also called: EPCAM-related condition.
Lynch syndrome 8 (LYNCH8). Also called: Colorectal cancer, hereditary nonpolyposis, type 8. Identifiers: Orphanet 144, MedGen C2750471, MONDO:0013196, OMIM 613244.

Allele frequency attached by ClinVar (database versions not stated): ESP Exome Variant Server 0.00008; gnomAD exomes 0.00008 and 0.00023; TOPMed 0.00008; ExAC 0.00010; gnomAD 0.00010 and 0.00011.
gnomAD v4.1: 350 of 1,612,854 alleles (0.022%); highest among the groups gnomAD compares: Non-Finnish European, 0.029%; 1 homozygote.

Submissions (3):

PreventionGenetics, part of Exact Sciences
Classification: Likely benign for EPCAM-related condition. Last evaluated: 2024-10-22. Review status: criteria provided, single submitter. Criteria: ACMG Guidelines, 2015. Collection method: clinical testing. Allele origin: germline.
Comment: This variant is classified as likely benign based on ACMG/AMP sequence variant interpretation guidelines (Richards et al. 2015 PMID: 25741868, with internal and published modifications).

St. Jude Molecular Pathology, St. Jude Children's Research Hospital
Classification: Uncertain significance for Lynch syndrome 8. Last evaluated: 2024-06-27. Review status: criteria provided, single submitter. Criteria: St. Jude Assertion Criteria 2020. Collection method: clinical testing. Allele origin: germline.
Comment: The EPCAM c.161A>G (p.Gln54Arg) missense variant has a maximum subpopulation frequency of 0.02% in gnomAD v2.1.1. The in silico tool REVEL predicts a benign effect on protein function, but to our knowledge this prediction has not been confirmed by functional studies. To our knowledge, this variant has not been reported in individuals with Lynch syndrome. In summary, the evidence currently available is insufficient to determine the clinical significance of this variant. It has therefore been classified as of uncertain significance.

Labcorp Genetics (formerly Invitae), Labcorp
Classification: Uncertain significance. Last evaluated: 2018-03-03. Review status: criteria provided, single submitter. Criteria: Invitae Variant Classification Sherloc (09022015). Collection method: clinical testing. Allele origin: germline.
Comment: This sequence change replaces glutamine with arginine at codon 54 of the EPCAM protein (p.Gln54Arg). The glutamine residue is highly conserved and there is a small physicochemical difference between glutamine and arginine. This variant is present in population databases (rs376674068, ExAC 0.02%). Algorithms developed to predict the effect of missense changes on protein structure and function (SIFT, PolyPhen-2, Align-GVGD) all suggest that this variant is likely to be tolerated, but these predictions have not been confirmed by published functional studies and their clinical significance is uncertain. In summary, the available evidence is currently insufficient to determine the role of this variant in disease. Therefore, it has been classified as a Variant of Uncertain Significance. This variant has not been reported in the literature in individuals with EPCAM-related disease. ClinVar contains an entry for this variant (Variation ID: 188370).

NM_002354.3(EPCAM):c.161A>G (p.Gln54Arg)

Gene: EPCAM (epithelial cell adhesion molecule; plus strand). Cytogenetic location: 2p21.
Variant type: single nucleotide variant.
Coding change: c.161A>G on transcript NM_002354.3 (MANE Select); coding-DNA position 161, A replaced by G.
Protein change: p.Gln54Arg; replaces glutamine 54 with arginine.
Molecular consequence: missense variant.
Genome position (GRCh38, 1-based): chr2:47,373,547, A>G. VCF-style: chr2-47373547-A-G. GRCh37 (hg19) VCF-style: chr2-47600686-A-G.
Other names: short protein forms Q54R.
Identifiers: ClinVar variation 188370 (VCV000188370.11), dbSNP rs376674068, ClinGen allele CA334737.